The following is an entry in ClinVar:

ClinVar aggregate classification (germline): Uncertain significance (1 of 4 stars; one submission).

Conditions:
Tuberous sclerosis 2 (TSC2). Identifiers: Orphanet 805, MedGen C1860707, MONDO:0013199, OMIM 613254.

Submission:

Labcorp Genetics (formerly Invitae), Labcorp
Classification: Uncertain significance for Tuberous sclerosis 2. Last evaluated: 2019-05-05. Review status: criteria provided, single submitter. Criteria: Invitae Variant Classification Sherloc (09022015). Collection method: clinical testing. Allele origin: germline.
Comment: In summary, the available evidence is currently insufficient to determine the role of this variant in disease. Therefore, it has been classified as a Variant of Uncertain Significance. Algorithms developed to predict the effect of sequence changes on RNA splicing suggest that this variant may disrupt the consensus splice site, but this prediction has not been confirmed by published transcriptional studies. This variant has not been reported in the literature in individuals with TSC2-related conditions. This variant is not present in population databases (ExAC no frequency). This sequence change falls in intron 39 of the TSC2 gene. It does not directly change the encoded amino acid sequence of the TSC2 protein.

NM_000548.5(TSC2):c.5069-6C>G

Gene: TSC2 (TSC complex subunit 2; plus strand). Cytogenetic location: 16p13.3.
Variant type: single nucleotide variant.
Coding change: c.5069-6C>G on transcript NM_000548.5 (MANE Select); 6 bases into the intron before coding-DNA position 5069, C replaced by G.
Molecular consequence: intron variant.
Genome position (GRCh38, 1-based): chr16:2,088,042, C>G. VCF-style: chr16-2088042-C-G. GRCh37 (hg19) VCF-style: chr16-2138043-C-G.
Other names: c.5000-6C>G (NM_001114382.3); c.4940-6C>G (NM_021055.3, NM_001370405.1); c.4871-6C>G (NM_001363528.2); c.4937-6C>G (NM_001370404.1); c.4868-6C>G (NM_001077183.3); c.4760-6C>G (NM_001318827.2); c.4337-6C>G (NM_001318831.2); c.4724-6C>G (NM_001318829.2); and 1 more.
Identifiers: ClinVar variation 946776 (VCV000946776.9), dbSNP rs1212112210, ClinGen allele CA1139664247.
Genomic context (GRCh38, chr16:2,088,042, plus strand): 5'-CCGGGTGGGGCCCTGCAGTGTGGCGCCAAGAGCCCTGGGCCTGGCGTGACCACCAAGTCT[C>G]CCCAGACATGGAGGGCCTTGTGGACACCAGCGTGGCCAAGATCGTGTCTGACCGCAACCT-3'